The following is an entry in ClinVar:

NM_182961.4(SYNE1):c.19815T>A (p.Gly6605=)

Gene: SYNE1 (spectrin repeat containing nuclear envelope protein 1; minus strand). Cytogenetic location: 6q25.2.
Variant type: single nucleotide variant.
Coding change: c.19815T>A on transcript NM_182961.4 (MANE Select); coding-DNA position 19815, T replaced by A.
Protein change: p.Gly6605=; no amino-acid change (glycine 6605 retained).
Molecular consequence: synonymous variant.
Genome position (GRCh38, 1-based): chr6:152,242,318, A>T on the plus strand (T>A on the coding strand, the complement: SYNE1 is on the minus strand). VCF-style: chr6-152242318-A-T. GRCh37 (hg19) VCF-style: chr6-152563453-A-T.
Other names: c.19602T>A, p.Gly6534= (NM_033071.5).
Identifiers: ClinVar variation 508806 (VCV000508806.51), dbSNP rs776418227, ClinGen allele CA4054571.

ClinVar aggregate classification (germline): Conflicting classifications of pathogenicity. Review status: criteria provided, conflicting classifications (1 of 4 stars). 4 submissions from 4 submitters: Uncertain significance (1); Likely benign (3). Last evaluated 2025-03-01.

Conditions:
Autosomal recessive ataxia, Beauce type. Also called: SYNE1-Related Autosomal Recessive Cerebellar Ataxia; SYNE1 Deficiency; Spinocerebellar ataxia, autosomal recessive 8; ATAXIA, RECESSIVE, OF BEAUCE. Identifiers: Orphanet 88644, MedGen C1853116, MONDO:0012549, OMIM 610743.
Emery-Dreifuss muscular dystrophy 4, autosomal dominant (EDMD4). Also called: EMERY-DREIFUSS MUSCULAR DYSTROPHY 4 WITH VARIABLE FEATURES. Identifiers: Orphanet 261, MedGen C2751807, MONDO:0013071, OMIM 612998.

Allele frequency attached by ClinVar (database versions not stated): gnomAD 0.00001; TOPMed 0.00003; gnomAD exomes 0.00004; ExAC 0.00005.
gnomAD v4.1: 95 of 1,613,866 alleles (0.0059%); highest among the groups gnomAD compares: Middle Eastern, 0.066%; no homozygotes.

Submissions (4):

CeGaT Center for Human Genetics Tuebingen
Classification: Likely benign. Last evaluated: 2025-03-01. Review status: criteria provided, single submitter. Criteria: CeGaT Center For Human Genetics Tuebingen Variant Classification Criteria Version 2. Collection method: clinical testing. Allele origin: germline. Affected: yes. Observed: 6 variant alleles.
Comment: SYNE1: BP4, BP7

Labcorp Genetics (formerly Invitae), Labcorp
Classification: Likely benign for Emery-Dreifuss muscular dystrophy 4, autosomal dominant; Autosomal recessive ataxia, Beauce type. Last evaluated: 2024-05-10. Review status: criteria provided, single submitter. Criteria: Invitae Variant Classification Sherloc (09022015). Collection method: clinical testing. Allele origin: germline.

Eurofins Ntd Llc (ga)
Classification: Uncertain significance. Last evaluated: 2018-03-14. Review status: criteria provided, single submitter. Criteria: EGL ClinVar v180209 classification definitions. Collection method: clinical testing. Allele origin: germline. Observed: 1 variant allele, 1 heterozygote.

GeneDx
Classification: Likely benign. Last evaluated: 2017-04-11. Review status: criteria provided, single submitter. Criteria: GeneDx Variant Classification (06012015). Collection method: clinical testing. Allele origin: germline. Affected: yes.
Comment: This variant is considered likely benign or benign based on one or more of the following criteria: it is a conservative change, it occurs at a poorly conserved position in the protein, it is predicted to be benign by multiple in silico algorithms, and/or has population frequency not consistent with disease.